The following is an entry in ClinVar:

NC_000018.10:g.(?_58671624)_(58747862_?)dup

Gene: MALT1 (MALT1 paracaspase; plus strand). Cytogenetic location: 18q21.32.
Variant type: Duplication.
Identifiers: ClinVar variation 833069 (VCV000833069.1).

ClinVar aggregate classification (germline): Uncertain significance (1 of 4 stars; one submission).

Conditions:
Combined immunodeficiency due to MALT1 deficiency. Also called: Immunodeficiency 12. Identifiers: Orphanet 397964, MedGen C3809583, MONDO:0014197, OMIM 615468.

Submission:

Labcorp Genetics (formerly Invitae), Labcorp
Classification: Uncertain significance for Immunodeficiency 12. Last evaluated: 2019-10-04. Review status: criteria provided, single submitter. Criteria: Invitae Variant Classification Sherloc (09022015). Collection method: clinical testing. Allele origin: germline.
Comment: This variant results in a copy number gain of the genomic region encompassing the full coding sequence of the MALT1 gene. The boundaries of this event are unknown as they extend beyond the assayed region for this gene and therefore may encompass additional genes. As the precise location of this event is unknown, it may be in tandem or it may be located elsewhere in the genome. This variant has not been reported in the literature in individuals with MALT1-related conditions. In summary, the available evidence is currently insufficient to determine the role of this variant in disease. Therefore, it has been classified as a Variant of Uncertain Significance.